The following is an entry in ClinVar:

NM_022437.3(ABCG8):c.479A>G (p.Asn160Ser)

Gene: ABCG8 (ATP binding cassette subfamily G member 8; plus strand). Cytogenetic location: 2p21.
Variant type: single nucleotide variant.
Coding change: c.479A>G on transcript NM_022437.3 (MANE Select); coding-DNA position 479, A replaced by G.
Protein change: p.Asn160Ser; replaces asparagine 160 with serine.
Molecular consequence: missense variant.
Genome position (GRCh38, 1-based): chr2:43,851,740, A>G. VCF-style: chr2-43851740-A-G. GRCh37 (hg19) VCF-style: chr2-44078879-A-G.
Other names: c.479A>G, p.Asn160Ser (NM_001357321.2); short protein forms N160S.
Identifiers: ClinVar variation 3129966 (VCV003129966.3), dbSNP rs750352877, ClinGen allele CA1637029.

ClinVar aggregate classification (germline): Uncertain significance. Review status: criteria provided, multiple submitters, no conflicts (2 of 4 stars). 2 submissions from 2 submitters: Uncertain significance (2). Last evaluated 2025-10-24.

Conditions:
ABCG8-related disorder. Also called: ABCG8-related condition.
Cardiovascular phenotype. Identifiers: MedGen CN230736.

Allele frequency attached by ClinVar (database versions not stated): ExAC 0.00002.
gnomAD v4.1: 13 of 1,614,218 alleles (0.00081%); highest among the groups gnomAD compares: East Asian, 0.013%; no homozygotes.

Submissions (2):

PreventionGenetics, part of Exact Sciences
Classification: Uncertain significance for ABCG8-related condition. Last evaluated: 2025-10-24. Review status: criteria provided, single submitter. Criteria: ACMG Guidelines, 2015. Collection method: clinical testing. Allele origin: germline.
Comment: The ABCG8 c.479A>G variant is predicted to result in the amino acid substitution p.Asn160Ser. To our knowledge, this variant has not been reported in the literature. This variant is reported in 0.016% of alleles in individuals of East Asian descent in gnomAD. At this time, the clinical significance of this variant is uncertain due to the absence of conclusive functional and genetic evidence.

Ambry Genetics
Classification: Uncertain significance for Cardiovascular phenotype. Last evaluated: 2025-05-16. Review status: criteria provided, single submitter. Criteria: Ambry Variant Classification Scheme 2023. Collection method: clinical testing. Allele origin: germline.
Comment: The p.N160S variant (also known as c.479A>G), located in coding exon 4 of the ABCG8 gene, results from an A to G substitution at nucleotide position 479. The asparagine at codon 160 is replaced by serine, an amino acid with highly similar properties. This amino acid position is not well conserved in available vertebrate species. In addition, this alteration is predicted to be tolerated by in silico analysis. Based on the available evidence, the clinical significance of this variant remains unclear.